The following is an entry in ClinVar:

NM_006431.3(CCT2):c.478A>G (p.Met160Val)

Gene: CCT2 (chaperonin containing TCP1 subunit 2; plus strand). Cytogenetic location: 12q15.
Variant type: single nucleotide variant.
Coding change: c.478A>G on transcript NM_006431.3 (MANE Select); coding-DNA position 478, A replaced by G.
Protein change: p.Met160Val; replaces methionine 160 with valine.
Molecular consequence: missense variant.
Genome position (GRCh38, 1-based): chr12:69,589,516, A>G. VCF-style: chr12-69589516-A-G. GRCh37 (hg19) VCF-style: chr12-69983296-A-G.
Other names: c.337A>G, p.Met113Val (NM_001198842.2); c.478A>G (NM_006431.2); short protein forms M113V, M160V.
Identifiers: ClinVar variation 1970957 (VCV001970957.7), dbSNP rs193173087, ClinGen allele CA6680599.

ClinVar aggregate classification (germline): Uncertain significance. Review status: criteria provided, multiple submitters, no conflicts (2 of 4 stars). 2 submissions from 2 submitters: Uncertain significance (2). Last evaluated 2025-10-13.

Allele frequency attached by ClinVar (database versions not stated): TOPMed 0.00002; 1000 Genomes Project 0.00040; ExAC 0.00002; 1000 Genomes Project 30x 0.00047; gnomAD 0.00002.

Submissions (2):

Labcorp Genetics (formerly Invitae), Labcorp
Classification: Uncertain significance. Last evaluated: 2025-10-13. Review status: criteria provided, single submitter. Criteria: Invitae Variant Classification Sherloc (09022015). Collection method: clinical testing. Allele origin: germline.
Comment: This sequence change replaces methionine, which is neutral and non-polar, with valine, which is neutral and non-polar, at codon 160 of the CCT2 protein (p.Met160Val). This variant is present in population databases (rs193173087, gnomAD 0.03%). This variant has not been reported in the literature in individuals affected with CCT2-related conditions. ClinVar contains an entry for this variant (Variation ID: 1970957). An algorithm developed to predict the effect of missense changes on protein structure and function (PolyPhen-2) suggests that this variant is likely to be tolerated. In summary, the available evidence is currently insufficient to determine the role of this variant in disease. Therefore, it has been classified as a Variant of Uncertain Significance.

Ambry Genetics
Classification: Uncertain significance. Last evaluated: 2023-09-14. Review status: criteria provided, single submitter. Criteria: Ambry Variant Classification Scheme 2023. Collection method: clinical testing. Allele origin: germline.